The following is an entry in ClinVar:

ClinVar aggregate classification (germline): Likely benign. Review status: reviewed by expert panel (3 of 4 stars). 3 submissions from 3 submitters: Likely benign (1). 2 of the submissions do not count toward it. Last evaluated 2024-06-24.

Conditions:
Hereditary thrombocytopenia and hematologic cancer predisposition syndrome. Identifiers: Orphanet 71290, MedGen CN281654, MONDO:0011071.
Inborn genetic diseases. Identifiers: MedGen C0950123, MeSH D030342.
Hereditary thrombocytopenia and hematological cancer predisposition syndrome associated with RUNX1. Also called: Familial Platelet Disorder with Propensity to Acute Myelogenous Leukemia; Familial thrombocytopenia with propensity to acute myelogenous leukemia; RUNX1 Familial Platelet Disorder with Associated Myeloid Malignancies; PLATELET DISORDER, ASPIRIN-LIKE. Identifiers: Orphanet 71290, MedGen C1832388, MeSH C563324, MONDO:0100083, OMIM 601399.

gnomAD v4.1: 2 of 1,613,882 alleles (0.00012%); highest among the groups gnomAD compares: African/African-American, 0.0013%; no homozygotes.

Submissions (3):

ClinGen Myeloid Malignancy Variant Curation Expert Panel
Classification: Likely benign for Hereditary thrombocytopenia and hematologic cancer predisposition syndrome. Last evaluated: 2024-06-24. Review status: reviewed by expert panel. Criteria: ClinGen MyeloMalig ACMG Specifications v2. Collection method: curation. Allele origin: germline. Inheritance: Autosomal dominant inheritance.
Comment: The NM_001754.5(RUNX1):c.508+4C>A is a variant is located in Intron 5. It affects a nucleotide within the consensus splice site. However, splice prediction algorithms do not predict an effect on splicing (BP4). This variant is present at a MAF of 0.00006 (0.006%, 1/16256 alleles) in the African/African American population of gnomADv2.1.1. The nucleotide is not highly conserved with a phyloP score of -2.61. In summary, this variant meets the criteria to be classified as Likely Benign for autosomal dominant hereditary thrombocytopenia and hematologic cancer predisposition syndrome based on the ACMG/AMP criteria applied, as specified by the ClinGen Myeloid Malignancy VCEP: BP4, BP7.

Ambry Genetics
Classification: Uncertain significance for Inborn genetic diseases. Last evaluated: 2026-08-20. Review status: criteria provided, single submitter. Criteria: Ambry Variant Classification Scheme 2023. Collection method: clinical testing. Allele origin: germline. Not counted in ClinVar's aggregate classification.
Comment: The c.508+4C>A intronic variant results from a C to A substitution 4 nucleotides after coding exon 4 in the RUNX1 gene. This nucleotide position is not well conserved in available vertebrate species. In silico splice site analysis predicts that this alteration will not have any significant effect on splicing. Based on the available evidence, the clinical significance of this variant remains unclear.

Labcorp Genetics (formerly Invitae), Labcorp
Classification: Uncertain significance for Hereditary thrombocytopenia and hematological cancer predisposition syndrome associated with RUNX1. Last evaluated: 2022-05-11. Review status: criteria provided, single submitter. Criteria: Invitae Variant Classification Sherloc (09022015). Collection method: clinical testing. Allele origin: germline. Not counted in ClinVar's aggregate classification.
Comment: This sequence change falls in intron 5 of the RUNX1 gene. It does not directly change the encoded amino acid sequence of the RUNX1 protein. It affects a nucleotide within the consensus splice site. In summary, the available evidence is currently insufficient to determine the role of this variant in disease. Therefore, it has been classified as a Variant of Uncertain Significance. Variants that disrupt the consensus splice site are a relatively common cause of aberrant splicing (PMID: 17576681, 9536098). Algorithms developed to predict the effect of sequence changes on RNA splicing suggest that this variant is not likely to affect RNA splicing. This variant has not been reported in the literature in individuals affected with RUNX1-related conditions. This variant is present in population databases (rs770788424, gnomAD 0.007%).

Literature cited by the submitters: PubMed 17576681 (cited by Labcorp Genetics (formerly Invitae), Labcorp); PubMed 9536098 (cited by Labcorp Genetics (formerly Invitae), Labcorp).

NM_001754.5(RUNX1):c.508+4C>A

Genes: RUNX1 (RUNX family transcription factor 1; minus strand), RUNX1-AS1 (RUNX1 antisense RNA 1; plus strand). Cytogenetic location: 21q22.12.
Variant type: single nucleotide variant.
Coding change: c.508+4C>A on transcript NM_001754.5 (MANE Select); 4 bases into the intron after coding-DNA position 508, C replaced by A.
Molecular consequence: intron variant.
Genome position (GRCh38, 1-based): chr21:34,880,553, G>T on the plus strand (C>A on the coding strand, the complement: RUNX1 is on the minus strand). VCF-style: chr21-34880553-G-T. GRCh37 (hg19) VCF-style: chr21-36252850-G-T.
Other names: c.508+4C>A (NM_001754.4); c.427+4C>A (NM_001001890.3, NM_001122607.2).
Identifiers: ClinVar variation 2174248 (VCV002174248.6), dbSNP rs770788424, ClinGen allele CA10014500.
Genomic context (GRCh38, chr21:34,880,553, plus strand): 5'-ATTTTGAAATGTGGGTTTGTTGCCATGAAACGTGTTTCAAGCATAGTTTTGACAGATAAC[G>T]TACCTCTTCCACTTCGACCGACAAACCTGAGGTCATTAAATCTTGCAACCTGGTTCTTCA-3'